The following is an entry in ClinVar:

ClinVar aggregate classification (germline): Uncertain significance (1 of 4 stars; one submission).

Submission:

GeneDx
Classification: Uncertain significance. Last evaluated: 2022-06-08. Review status: criteria provided, single submitter. Criteria: GeneDx Variant Classification Process June 2021. Collection method: clinical testing. Allele origin: germline. Affected: yes.
Comment: Not observed at a significant frequency in large population cohorts (gnomAD); In silico analysis supports that this missense variant has a deleterious effect on protein structure/function; Has not been previously published as pathogenic or benign to our knowledge

NM_006767.4(LZTR1):c.1646A>T (p.Asp549Val)

Gene: LZTR1 (leucine zipper like post translational regulator 1; plus strand). Cytogenetic location: 22q11.21.
Variant type: single nucleotide variant.
Coding change: c.1646A>T on transcript NM_006767.4 (MANE Select); coding-DNA position 1646, A replaced by T.
Protein change: p.Asp549Val; replaces aspartic acid 549 with valine.
Molecular consequence: missense variant.
Genome position (GRCh38, 1-based): chr22:20,994,588, A>T. VCF-style: chr22-20994588-A-T. GRCh37 (hg19) VCF-style: chr22-21348877-A-T.
Other names: short protein forms D549V.
Identifiers: ClinVar variation 1691677 (VCV001691677.3), dbSNP rs762315626, ClinGen allele CA410776625.